The following is an entry in ClinVar:

ClinVar aggregate classification (germline): Uncertain significance (1 of 4 stars; one submission).

Submission:

Labcorp Genetics (formerly Invitae), Labcorp
Classification: Uncertain significance. Last evaluated: 2024-12-31. Review status: criteria provided, single submitter. Criteria: Invitae Variant Classification Sherloc (09022015). Collection method: clinical testing. Allele origin: germline.
Comment: This sequence change replaces phenylalanine, which is neutral and non-polar, with leucine, which is neutral and non-polar, at codon 131 of the LZTR1 protein (p.Phe131Leu). This variant is not present in population databases (gnomAD no frequency). This variant has not been reported in the literature in individuals affected with LZTR1-related conditions. Invitae Evidence Modeling of protein sequence and biophysical properties (such as structural, functional, and spatial information, amino acid conservation, physicochemical variation, residue mobility, and thermodynamic stability) indicates that this missense variant is not expected to disrupt LZTR1 protein function with a negative predictive value of 80%. In summary, the available evidence is currently insufficient to determine the role of this variant in disease. Therefore, it has been classified as a Variant of Uncertain Significance.

NM_006767.4(LZTR1):c.393T>G (p.Phe131Leu)

Gene: LZTR1 (leucine zipper like post translational regulator 1; plus strand). Cytogenetic location: 22q11.21.
Variant type: single nucleotide variant.
Coding change: c.393T>G on transcript NM_006767.4 (MANE Select); coding-DNA position 393, T replaced by G.
Protein change: p.Phe131Leu; replaces phenylalanine 131 with leucine.
Molecular consequence: missense variant.
Genome position (GRCh38, 1-based): chr22:20,987,576, T>G. VCF-style: chr22-20987576-T-G. GRCh37 (hg19) VCF-style: chr22-21341865-T-G.
Other names: short protein forms F131L.
Identifiers: ClinVar variation 3686113 (VCV003686113.2).